The following is an entry in ClinVar:

ClinVar aggregate classification (germline): Uncertain significance. Review status: criteria provided, multiple submitters, no conflicts (2 of 4 stars). 2 submissions from 2 submitters: Uncertain significance (2). Last evaluated 2025-01-04.

Conditions:
Fanconi anemia complementation group A (FANCA). Also called: Fanconi anemia, group A; FANCA-Related Fanconi Anemia. Identifiers: Orphanet 84, MedGen C3469521, MONDO:0009215, OMIM 227650.
Inborn genetic diseases. Identifiers: MedGen C0950123, MeSH D030342.

gnomAD v4.1: 10 of 1,614,180 alleles (0.00062%); highest among the groups gnomAD compares: East Asian, 0.0045%; no homozygotes.

Submissions (2):

Ambry Genetics
Classification: Uncertain significance for Inborn genetic diseases. Last evaluated: 2025-01-04. Review status: criteria provided, single submitter. Criteria: Ambry Variant Classification Scheme 2023. Collection method: clinical testing. Allele origin: germline.
Comment: The p.R1146T variant (also known as c.3437G>C), located in coding exon 35 of the FANCA gene, results from a G to C substitution at nucleotide position 3437. The arginine at codon 1146 is replaced by threonine, an amino acid with similar properties. This amino acid position is conserved. In addition, this alteration is predicted to be tolerated by in silico analysis. Based on the available evidence, the clinical significance of this variant remains unclear.

Fulgent Genetics
Classification: Uncertain significance for Fanconi anemia complementation group A. Last evaluated: 2024-04-15. Review status: criteria provided, single submitter. Criteria: ACMG Guidelines, 2015. Collection method: clinical testing. Allele origin: germline.

NM_000135.4(FANCA):c.3437G>C (p.Arg1146Thr)

Gene: FANCA (FA complementation group A; minus strand). Cytogenetic location: 16q24.3.
Variant type: single nucleotide variant.
Coding change: c.3437G>C on transcript NM_000135.4 (MANE Select); coding-DNA position 3437, G replaced by C.
Protein change: p.Arg1146Thr; replaces arginine 1146 with threonine.
Molecular consequence: missense variant.
Genome position (GRCh38, 1-based): chr16:89,746,660, C>G on the plus strand (G>C on the coding strand, the complement: FANCA is on the minus strand). VCF-style: chr16-89746660-C-G. GRCh37 (hg19) VCF-style: chr16-89813068-C-G.
Other names: c.3437G>C, p.Arg1146Thr (NM_001286167.3); short protein forms R1146T.
Identifiers: ClinVar variation 3277607 (VCV003277607.3).
Genomic context (GRCh38, chr16:89,746,660, plus strand): 5'-ATTAAGGGGCATTTCGTCTGGCACTTGGCCAGTATGAAGTCGACCATCAGGGAGGGGTCT[C>G]TGCTCCGCAGACAGGCGTTCAGGAGGCCCTGCAGGAGAGAACGCAGCAGGAGGTCAGCGG-3'
Protein context (NP_000126.2, residues 1136-1156): RGLLNACLRS[Arg1146Thr]DPSLMVDFIL